The following is an entry in ClinVar:

ClinVar aggregate classification (germline): Benign. Review status: criteria provided, multiple submitters, no conflicts (2 of 4 stars). 2 submissions from 2 submitters: Benign (2). Last evaluated 2018-06-14.

Allele frequency attached by ClinVar (database versions not stated): 1000 Genomes Project 30x 0.07355; ESP Exome Variant Server 0.00361; gnomAD exomes 0.01501; gnomAD 0.01948 and 0.02352; TOPMed 0.03346; 1000 Genomes Project 0.07927; ExAC 0.04101.
gnomAD v4.1: 26,063 of 1,612,610 alleles (1.6%); highest among the groups gnomAD compares: East Asian, 25%; 2,335 homozygotes.

Submissions (6):

GeneDx
Classification: Benign. Last evaluated: 2018-06-14. Review status: criteria provided, single submitter. Criteria: GeneDx Variant Classification (06012015). Collection method: clinical testing. Allele origin: germline. Affected: yes.
Comment: This variant is considered likely benign or benign based on one or more of the following criteria: it is a conservative change, it occurs at a poorly conserved position in the protein, it is predicted to be benign by multiple in silico algorithms, and/or has population frequency not consistent with disease.

Breakthrough Genomics
Classification: Benign. Review status: criteria provided, single submitter. Criteria: ACMG Guidelines, 2015. Collection method: not provided. Allele origin: germline. Inheritance: Unknown mechanism. Affected: yes.

Dr. Peter K. Rogan Lab, Western University
No classification provided (evidence only). Condition: Uterine corpus endometrial carcinoma. Review status: no classification provided. Collection method: in vitro. Allele origin: not applicable. Functional consequence: retained intron. Not counted in ClinVar's aggregate classification.

Dr. Peter K. Rogan Lab, Western University
No classification provided (evidence only). Condition: Sarcoma. Review status: no classification provided. Collection method: in vitro. Allele origin: not applicable. Functional consequence: retained intron. Not counted in ClinVar's aggregate classification.

Dr. Peter K. Rogan Lab, Western University
No classification provided (evidence only). Condition: Sarcoma. Review status: no classification provided. Collection method: in vitro. Allele origin: not applicable. Functional consequence: retained intron. Not counted in ClinVar's aggregate classification.

Dr. Peter K. Rogan Lab, Western University
No classification provided (evidence only). Condition: Thymoma. Review status: no classification provided. Collection method: in vitro. Allele origin: not applicable. Functional consequence: retained intron. Not counted in ClinVar's aggregate classification.

NM_015141.4(GPD1L):c.367-36G>A

Gene: GPD1L (glycerol-3-phosphate dehydrogenase 1 like; plus strand). Cytogenetic location: 3p22.3.
Variant type: single nucleotide variant.
Coding change: c.367-36G>A on transcript NM_015141.4 (MANE Select); 36 bases into the intron before coding-DNA position 367, G replaced by A.
Molecular consequence: intron variant.
Genome position (GRCh38, 1-based): chr3:32,140,192, G>A. VCF-style: chr3-32140192-G-A. GRCh37 (hg19) VCF-style: chr3-32181684-G-A.
Other names: NC_000003.11:g.32181684G>A.
Identifiers: ClinVar variation 671831 (VCV000671831.3), dbSNP rs72546656, ClinGen allele CA2296622.